The following is an entry in ClinVar:

NM_015443.4(KANSL1):c.1852C>T (p.His618Tyr)

Gene: KANSL1 (KAT8 regulatory NSL complex subunit 1). Cytogenetic location: 17q21.31.
Variant type: single nucleotide variant.
Coding change: c.1852C>T on transcript NM_015443.4 (MANE Select); coding-DNA position 1852, C replaced by T.
Protein change: p.His618Tyr; replaces histidine 618 with tyrosine.
Molecular consequence: missense variant.
Genome position (GRCh38, 1-based): chr17:46,050,701, G>A on the plus strand (C>T on the coding strand, the complement: KANSL1 is on the minus strand). VCF-style: chr17-46050701-G-A. GRCh37 (hg19) VCF-style: chr17-44128067-G-A.
Other names: c.1852C>T, p.His618Tyr (NM_001193465.2, NM_001193466.2, NM_001379198.1 and 14 more transcripts); c.1750C>T, p.His584Tyr (NM_001405881.1, NM_001405859.1, NM_001405860.1 and 1 more transcripts); c.586C>T, p.His196Tyr (NM_001405882.1, NM_001405883.1, NM_001405884.1 and 1 more transcripts); short protein forms H196Y, H618Y, H584Y.
Identifiers: ClinVar variation 4724807 (VCV004724807.1).

ClinVar aggregate classification (germline): Uncertain significance (1 of 4 stars; one submission).

Conditions:
Koolen-de Vries syndrome (KDVS). Identifiers: Orphanet 96169, MedGen C1864871, MONDO:0012496, OMIM 610443.

Submission:

Labcorp Genetics (formerly Invitae), Labcorp
Classification: Uncertain significance for Koolen-de Vries syndrome. Last evaluated: 2025-06-11. Review status: criteria provided, single submitter. Criteria: Invitae Variant Classification Sherloc (09022015). Collection method: clinical testing. Allele origin: germline.
Comment: This sequence change replaces histidine, which is basic and polar, with tyrosine, which is neutral and polar, at codon 618 of the KANSL1 protein (p.His618Tyr). This variant is not present in population databases (gnomAD no frequency). This variant has not been reported in the literature in individuals affected with KANSL1-related conditions. Invitae Evidence Modeling of protein sequence and biophysical properties (such as structural, functional, and spatial information, amino acid conservation, physicochemical variation, residue mobility, and thermodynamic stability) indicates that this missense variant is not expected to disrupt KANSL1 protein function with a negative predictive value of 80%. In summary, the available evidence is currently insufficient to determine the role of this variant in disease. Therefore, it has been classified as a Variant of Uncertain Significance.